The following is an entry in ClinVar:

ClinVar aggregate classification (germline): Uncertain significance (1 of 4 stars; one submission).

Conditions:
Inborn genetic diseases. Identifiers: MedGen C0950123, MeSH D030342.

Submission:

Ambry Genetics
Classification: Uncertain significance for Inborn genetic diseases. Last evaluated: 2025-11-24. Review status: criteria provided, single submitter. Criteria: Ambry Variant Classification Scheme 2023. Collection method: clinical testing. Allele origin: germline.
Comment: The p.R39G variant (also known as c.115C>G), located in coding exon 1 of the SH2B3 gene, results from a C to G substitution at nucleotide position 115. The arginine at codon 39 is replaced by glycine, an amino acid with dissimilar properties. This amino acid position is conserved. In addition, this alteration is predicted to be tolerated by in silico analysis. Based on the available evidence, the clinical significance of this variant remains unclear.

NM_005475.3(SH2B3):c.115C>G (p.Arg39Gly)

Gene: SH2B3 (SH2B adaptor protein 3; plus strand). Cytogenetic location: 12q24.12.
Variant type: single nucleotide variant.
Coding change: c.115C>G on transcript NM_005475.3 (MANE Select); coding-DNA position 115, C replaced by G.
Protein change: p.Arg39Gly; replaces arginine 39 with glycine.
Molecular consequence: missense variant.
Genome position (GRCh38, 1-based): chr12:111,418,260, C>G. VCF-style: chr12-111418260-C-G. GRCh37 (hg19) VCF-style: chr12-111856064-C-G.
Other names: short protein forms R39G.
Identifiers: ClinVar variation 4630764 (VCV004630764.1).